The following is an entry in ClinVar:

NM_012338.4(TSPAN12):c.101G>A (p.Trp34Ter)

Gene: TSPAN12 (tetraspanin 12; minus strand). Cytogenetic location: 7q31.31.
Variant type: single nucleotide variant.
Coding change: c.101G>A on transcript NM_012338.4 (MANE Select); coding-DNA position 101, G replaced by A.
Protein change: p.Trp34Ter; replaces tryptophan 34 with a stop codon.
Molecular consequence: nonsense.
Genome position (GRCh38, 1-based): chr7:120,840,075, C>T on the plus strand (G>A on the coding strand, the complement: TSPAN12 is on the minus strand). VCF-style: chr7-120840075-C-T. GRCh37 (hg19) VCF-style: chr7-120480129-C-T.
Other names: short protein forms W34*.
Identifiers: ClinVar variation 2034313 (VCV002034313.4), dbSNP rs2485423018, ClinGen allele CA369141574.

ClinVar aggregate classification (germline): Pathogenic (1 of 4 stars; one submission).

Submission:

Labcorp Genetics (formerly Invitae), Labcorp
Classification: Pathogenic. Last evaluated: 2022-10-06. Review status: criteria provided, single submitter. Criteria: Invitae Variant Classification Sherloc (09022015). Collection method: clinical testing. Allele origin: germline.
Comment: For these reasons, this variant has been classified as Pathogenic. Algorithms developed to predict the effect of sequence changes on RNA splicing suggest that this variant may disrupt the consensus splice site. This premature translational stop signal has been observed in individual(s) with familial exudative vitreoretinopathy (PMID: 33907885). This variant is not present in population databases (gnomAD no frequency). This sequence change creates a premature translational stop signal (p.Trp34*) in the TSPAN12 gene. It is expected to result in an absent or disrupted protein product. Loss-of-function variants in TSPAN12 are known to be pathogenic (PMID: 20159112, 21334594).

Literature cited by the submitters: PubMed 33907885; PubMed 20159112; PubMed 21334594.